The following is an entry in ClinVar:

NM_001282531.3(ADNP):c.2132del (p.Ser711fs)

Gene: ADNP (activity dependent neuroprotector homeobox; minus strand). Cytogenetic location: 20q13.13.
Variant type: Deletion.
Coding change: c.2132del on transcript NM_001282531.3 (MANE Select); coding-DNA position 2132, one base deleted (G; older notation c.2132delG).
Protein change: p.Ser711fs; shifts the reading frame from serine 711.
Molecular consequence: frameshift variant.
Genome position (GRCh38, 1-based): chr20:50,892,582, C deleted on the plus strand (G on the coding strand, the reverse complement: ADNP is on the minus strand). VCF-style (leftmost placement, unchanged base first): chr20-50892581-AC-A. GRCh37 (hg19) VCF-style: chr20-49509118-AC-A.
Other names: c.2132del, p.Ser711fs (NM_001282532.2, NM_001347511.2, NM_015339.5 and 1 more transcripts); short protein forms S711fs.
Identifiers: ClinVar variation 3382586 (VCV003382586.2).

ClinVar aggregate classification (germline): Likely pathogenic (1 of 4 stars; one submission).

Conditions:
ADNP-related multiple congenital anomalies - intellectual disability - autism spectrum disorder. Also called: Helsmoortel-Van der Aa Syndrome; ADNP-Related Helsmoortel-Van der Aa Syndrome. Identifiers: Orphanet 404448, MedGen C4014538, MONDO:0014379, OMIM 615873. Disease mechanism: loss of function.

Submission:

Juno Genomics, Hangzhou Juno Genomics, Inc
Classification: Likely pathogenic for ADNP-related multiple congenital anomalies - intellectual disability - autism spectrum disorder. Review status: criteria provided, single submitter. Criteria: ACMG Guidelines, 2015. Collection method: clinical testing. Allele origin: germline. Affected: yes.
Comment: Null variant in a gene where loss of function (LOF) is a known mechanism of disease.;Absent from controls (or at extremely low frequency if recessive) in Genome Aggregation Database, Exome Sequencing Project, 1000 Genomes Project, or Exome Aggregation Consortium.;De novo (both maternity and paternity confirmed) in a patient with the disease and no family history.;Patient's phenotype or family history is highly specific for a disease with a single genetic etiology.